The following is an entry in ClinVar:

ClinVar aggregate classification (germline): Uncertain significance (1 of 4 stars; one submission).

Conditions:
Developmental and epileptic encephalopathy 94 (DEE94). Also called: CHD2-Related Neurodevelopmental Disorders; Epileptic encephalopathy, childhood-onset. Identifiers: Orphanet 1942, Orphanet 2382, MedGen C3809278, MONDO:0014150, OMIM 615369.

Allele frequency attached by ClinVar (database versions not stated): TOPMed below 0.00001.

Submission:

Labcorp Genetics (formerly Invitae), Labcorp
Classification: Uncertain significance for Developmental and epileptic encephalopathy 94. Last evaluated: 2023-10-17. Review status: criteria provided, single submitter. Criteria: Invitae Variant Classification Sherloc (09022015). Collection method: clinical testing. Allele origin: germline.
Comment: This sequence change replaces leucine, which is neutral and non-polar, with valine, which is neutral and non-polar, at codon 793 of the CHD2 protein (p.Leu793Val). This variant is not present in population databases (gnomAD no frequency). This variant has not been reported in the literature in individuals affected with CHD2-related conditions. Advanced modeling of protein sequence and biophysical properties (such as structural, functional, and spatial information, amino acid conservation, physicochemical variation, residue mobility, and thermodynamic stability) performed at Invitae indicates that this missense variant is not expected to disrupt CHD2 protein function. In summary, the available evidence is currently insufficient to determine the role of this variant in disease. Therefore, it has been classified as a Variant of Uncertain Significance.

NM_001271.4(CHD2):c.2377T>G (p.Leu793Val)

Gene: CHD2 (chromodomain helicase DNA binding protein 2; plus strand). Cytogenetic location: 15q26.1.
Variant type: single nucleotide variant.
Coding change: c.2377T>G on transcript NM_001271.4 (MANE Select); coding-DNA position 2377, T replaced by G.
Protein change: p.Leu793Val; replaces leucine 793 with valine.
Molecular consequence: missense variant.
Genome position (GRCh38, 1-based): chr15:92,972,289, T>G. VCF-style: chr15-92972289-T-G. GRCh37 (hg19) VCF-style: chr15-93515519-T-G.
Other names: short protein forms L793V.
Identifiers: ClinVar variation 2822031 (VCV002822031.3), dbSNP rs2053851423, ClinGen allele CA393893167.